The following is an entry in ClinVar:

NM_000545.8(HNF1A):c.1136del (p.Pro379fs)

Gene: HNF1A (HNF1 homeobox A; plus strand). Cytogenetic location: 12q24.31.
Variant type: Deletion.
Coding change: c.1136del on transcript NM_000545.8 (MANE Select); coding-DNA position 1136, one base deleted (C; older notation c.1136delC).
Protein change: p.Pro379fs; shifts the reading frame from proline 379.
Molecular consequence: frameshift variant.
Genome position (GRCh38, 1-based): chr12:120,996,569, C deleted; the last of 6 consecutive C bases (chr12:120,996,564-120,996,569); deleting any one gives the same sequence. VCF-style (leftmost placement, unchanged base first): chr12-120996563-TC-T. GRCh37 (hg19) VCF-style: chr12-121434366-TC-T.
Other names: c.1136delC (NM_000545.8); c.1136del, p.Pro379fs (NM_001306179.2); short protein forms P379fs.
Identifiers: ClinVar variation 802897 (VCV000802897.3), dbSNP rs1593060859, ClinGen allele CA482164601.
Genomic context (GRCh38, chr12:120,996,563, plus strand): 5'-CCCCGGCCCCCCGGACACAGCTTGGCTTCCCCTCGTAGGTCTCAGCAGCTGGGGGCCCCC[TC>T]CCCCCTGTCAGCACCCTGACAGCACTGCACAGCTTGGAGCAGACATCCCCAGGCCTCAAC-3'

ClinVar aggregate classification (germline): Pathogenic/Likely pathogenic. Review status: criteria provided, multiple submitters, no conflicts (2 of 4 stars). 2 submissions from 2 submitters: Pathogenic (1); Likely pathogenic (1). Last evaluated 2019-05-28.
ClinVar aggregate classification (oncogenicity): Likely oncogenic (1 of 4 stars; one submission).

Conditions:
Maturity-onset diabetes of the young (MODY). Also called: Maturity onset diabetes mellitus in young. Identifiers: Orphanet 552, MedGen C0342276, MONDO:0018911, HP:0004904.
Maturity-onset diabetes of the young type 3. Also called: MODY, type III; MODY type 3. Identifiers: Orphanet 552, MedGen C1838100, MeSH C563933, MONDO:0010894, OMIM 600496. Disease mechanism: loss of function.
Neoplasm. Also called: tumor; Neoplasms; Neoplasm (disease). Identifiers: MedGen C0027651, MeSH D009369, MONDO:0005070, HP:0002664.

Submissions (3):

Center for Genomic Medicine, Rigshospitalet, Copenhagen University Hospital
Classification: Likely oncogenic for Neoplasm. Last evaluated: 2025-03-04. Review status: criteria provided, single submitter. Criteria: ClinGen/CGC/VICC Guidelines for Oncogenicity, 2022. Collection method: clinical testing. Allele origin: somatic. Affected: yes.

Mendelics
Classification: Pathogenic for Maturity-onset diabetes of the young type 3. Last evaluated: 2019-05-28. Review status: criteria provided, single submitter. Criteria: Mendelics Assertion Criteria 2017. Collection method: clinical testing. Allele origin: unknown.

Clinical Genomics, Uppaluri K&H Personalized Medicine Clinic
Classification: Likely pathogenic for Maturity-onset diabetes of the young. Review status: criteria provided, single submitter. Criteria: K & H Uppaluri Personalized Medicine Clinic Variant Classification & Assertion Criteria_Updated V.1. Collection method: research. Allele origin: unknown. Inheritance: Autosomal dominant inheritance.
Comment: Mutations in HNF1A gene can predispose to MODY3. It is associated with both micro and macrovascular complications of diabetes, especially cardiovascular complications. Associated with glucosuria. May respond well to sulfonylureas. However, more evidence is required to confer the association of this particular variant rs1593060859 with MODY3.

Literature cited by the submitters: PubMed 12574234 (cited by Center for Genomic Medicine, Rigshospitalet, Copenhagen University Hospital); PubMed 27899486 (cited by Center for Genomic Medicine, Rigshospitalet, Copenhagen University Hospital); PubMed 31517624 (cited by Clinical Genomics, Uppaluri K&H Personalized Medicine Clinic); PubMed 32395877 (cited by Clinical Genomics, Uppaluri K&H Personalized Medicine Clinic); PubMed 35328643 (cited by Clinical Genomics, Uppaluri K&H Personalized Medicine Clinic); PubMed 35673428 (cited by Clinical Genomics, Uppaluri K&H Personalized Medicine Clinic).